The following is an entry in ClinVar:

NM_006648.4(WNK2):c.2270C>T (p.Pro757Leu)

Gene: WNK2 (WNK lysine deficient protein kinase 2; plus strand). Cytogenetic location: 9q22.31.
Variant type: single nucleotide variant.
Coding change: c.2270C>T on transcript NM_006648.4 (MANE Select); coding-DNA position 2270, C replaced by T.
Protein change: p.Pro757Leu; replaces proline 757 with leucine.
Molecular consequence: missense variant.
Genome position (GRCh38, 1-based): chr9:93,257,027, C>T. VCF-style: chr9-93257027-C-T. GRCh37 (hg19) VCF-style: chr9-96019309-C-T.
Other names: c.2270C>T, p.Pro757Leu (NM_001282394.3); short protein forms P757L.
Identifiers: ClinVar variation 3190621 (VCV003190621.2), dbSNP rs762929680, ClinGen allele CA5129565.

ClinVar aggregate classification (germline): Uncertain significance (1 of 4 stars; one submission).

gnomAD v4.1: 18 of 1,604,386 alleles (0.0011%); highest among the groups gnomAD compares: Non-Finnish European, 0.0015%; no homozygotes.

Submission:

Ambry Genetics
Classification: Uncertain significance. Last evaluated: 2024-11-18. Review status: criteria provided, single submitter. Criteria: Ambry Variant Classification Scheme 2023. Collection method: clinical testing. Allele origin: germline.
Comment: The p.P757L variant (also known as c.2270C>T), located in coding exon 10 of the WNK2 gene, results from a C to T substitution at nucleotide position 2270. The proline at codon 757 is replaced by leucine, an amino acid with similar properties. This amino acid position is conserved. In addition, this alteration is predicted to be tolerated by in silico analysis. Based on the available evidence, the clinical significance of this variant remains unclear.